The following is an entry in ClinVar:

ClinVar aggregate classification (germline): Pathogenic/Likely pathogenic. Review status: criteria provided, multiple submitters, no conflicts (2 of 4 stars). 2 submissions from 2 submitters: Pathogenic (1); Likely pathogenic (1). Last evaluated 2024-09-12.

Conditions:
3-methylcrotonyl-CoA carboxylase 1 deficiency (MCC1D). Also called: MCCD TYPE 1; METHYLCROTONYLGLYCINURIA TYPE I; MCC 1 deficiency; 3 Alpha methylcrotonylglycinuria 1. Identifiers: Orphanet 6, MedGen CN028786, MONDO:0008861, OMIM 210200.

Submissions (2):

Labcorp Genetics (formerly Invitae), Labcorp
Classification: Pathogenic for 3-methylcrotonyl-CoA carboxylase 1 deficiency. Last evaluated: 2024-09-12. Review status: criteria provided, single submitter. Criteria: Invitae Variant Classification Sherloc (09022015). Collection method: clinical testing. Allele origin: germline.
Comment: This sequence change creates a premature translational stop signal (p.Glu506Aspfs*17) in the MCCC1 gene. It is expected to result in an absent or disrupted protein product. Loss-of-function variants in MCCC1 are known to be pathogenic (PMID: 11181649, 15359379, 22642865). This variant is not present in population databases (gnomAD no frequency). This premature translational stop signal has been observed in individual(s) with clinical features of 3-methylcrotonyl-CoA carboxylase deficiency (PMID: 25190158). For these reasons, this variant has been classified as Pathogenic.

Baylor Genetics
Classification: Likely pathogenic for 3-methylcrotonyl-CoA carboxylase 1 deficiency. Last evaluated: 2024-02-20. Review status: criteria provided, single submitter. Criteria: ACMG Guidelines, 2015. Collection method: clinical testing. Allele origin: unknown.

Literature cited by the submitters: PubMed 11181649 (cited by Labcorp Genetics (formerly Invitae), Labcorp); PubMed 15359379 (cited by Labcorp Genetics (formerly Invitae), Labcorp); PubMed 22642865 (cited by Labcorp Genetics (formerly Invitae), Labcorp); PubMed 25190158 (cited by Labcorp Genetics (formerly Invitae), Labcorp).

NM_020166.5(MCCC1):c.1518del (p.Glu506fs)

Gene: MCCC1 (methylcrotonyl-CoA carboxylase subunit 1; minus strand). Cytogenetic location: 3q27.1.
Variant type: Deletion.
Coding change: c.1518del on transcript NM_020166.5 (MANE Select); coding-DNA position 1518, one base deleted (G; older notation c.1518delG).
Protein change: p.Glu506fs; shifts the reading frame from glutamic acid 506.
Molecular consequence: frameshift variant. On other transcripts: non-coding transcript variant (1).
Genome position (GRCh38, 1-based): chr3:183,037,294, C deleted on the plus strand (G on the coding strand, the reverse complement: MCCC1 is on the minus strand). VCF-style (leftmost placement, unchanged base first): chr3-183037293-AC-A. GRCh37 (hg19) VCF-style: chr3-182755081-AC-A.
Other names: c.1167del, p.Glu389fs (NM_001293273.2); c.1191del, p.Glu397fs (NM_001363880.1); short protein forms E389fs, E397fs, E506fs.
Identifiers: ClinVar variation 2676448 (VCV002676448.5), dbSNP rs2530128064, ClinGen allele CA2586973250.
Genomic context (GRCh38, chr3:183,037,293, plus strand): 5'-TGAAAGTGTCGGTCATGGCTTTCTCCTTGAGGATGAGACCCAGGGCTGCCTGGCATAAAG[AC>A]TCTTTGGCTGCAGCCTTCCGACTGAGCAACAACTGTTTGTGGTGTTGAGGGATGAAATCA-3'